The following is an entry in ClinVar:

NM_001079802.2(FKTN):c.854C>T (p.Ala285Val)

Gene: FKTN (fukutin; plus strand). Cytogenetic location: 9q31.2.
Variant type: single nucleotide variant.
Coding change: c.854C>T on transcript NM_001079802.2 (MANE Select); coding-DNA position 854, C replaced by T.
Protein change: p.Ala285Val; replaces alanine 285 with valine.
Molecular consequence: missense variant. On other transcripts: non-coding transcript variant (1).
Genome position (GRCh38, 1-based): chr9:105,615,351, C>T. VCF-style: chr9-105615351-C-T. GRCh37 (hg19) VCF-style: chr9-108377632-C-T.
Other names: c.854C>T, p.Ala285Val (NM_001198963.2, NM_001351496.2, NM_001351498.2 and 1 more transcripts); c.785C>T, p.Ala262Val (NM_001351497.2); c.458C>T, p.Ala153Val (NM_001351499.2, NM_001351500.2, NM_001351501.2 and 1 more transcripts); short protein forms A285V, A153V, A262V.
Identifiers: ClinVar variation 287804 (VCV000287804.15), dbSNP rs137951613, ClinGen allele CA5170507.

ClinVar aggregate classification (germline): Uncertain significance. Review status: criteria provided, multiple submitters, no conflicts (2 of 4 stars). 6 submissions from 6 submitters: Uncertain significance (5). 1 of the submissions does not count toward it. Last evaluated 2026-07-21.

Conditions:
Cardiovascular phenotype. Identifiers: MedGen CN230736.
Walker-Warburg congenital muscular dystrophy. Also called: Muscular dystrophy-dystroglycanopathy, type A; Walker-Warburg syndrome. Identifiers: Orphanet 899, MedGen C0265221, MONDO:0000171.

Allele frequency attached by ClinVar (database versions not stated): gnomAD exomes 0.00001; gnomAD 0.00005 and 0.00004; 1000 Genomes Project 30x 0.00016; ExAC 0.00003; TOPMed 0.00007; 1000 Genomes Project 0.00020.
gnomAD v4.1: 59 of 1,613,830 alleles (0.0037%); highest among the groups gnomAD compares: East Asian, 0.02%; no homozygotes.

Submissions (6):

Ambry Genetics
Classification: Uncertain significance for Cardiovascular phenotype. Last evaluated: 2026-07-21. Review status: criteria provided, single submitter. Criteria: Ambry Variant Classification Scheme 2023. Collection method: clinical testing. Allele origin: germline.
Comment: The p.A285V variant (also known as c.854C>T), located in coding exon 6 of the FKTN gene, results from a C to T substitution at nucleotide position 854. The alanine at codon 285 is replaced by valine, an amino acid with similar properties. This variant was reported in subjects referred for hypertrophic cardiomyopathy (HCM) (Janin A et al. Mol Diagn Ther, 2021 May;25:373-385). This amino acid position is well conserved in available vertebrate species. In addition, the in silico prediction for this alteration is inconclusive. Based on the available evidence, the clinical significance of this variant remains unclear.

GeneDx
Classification: Uncertain significance. Last evaluated: 2026-02-25. Review status: criteria provided, single submitter. Criteria: GeneDx Variant Classification Process June 2021. Collection method: clinical testing. Allele origin: germline.
Comment: Not observed at significant frequency in large population cohorts (gnomAD); In silico analysis suggests that this missense variant does not alter protein structure/function; Has not been previously published as pathogenic or benign to our knowledge

Labcorp Genetics (formerly Invitae), Labcorp
Classification: Uncertain significance for Walker-Warburg congenital muscular dystrophy. Last evaluated: 2022-07-12. Review status: criteria provided, single submitter. Criteria: Invitae Variant Classification Sherloc (09022015). Collection method: clinical testing. Allele origin: germline.
Comment: This sequence change replaces alanine, which is neutral and non-polar, with valine, which is neutral and non-polar, at codon 285 of the FKTN protein (p.Ala285Val). The frequency data for this variant in the population databases is considered unreliable, as metrics indicate poor data quality at this position in the gnomAD database. This variant has not been reported in the literature in individuals affected with FKTN-related conditions. ClinVar contains an entry for this variant (Variation ID: 287804). Algorithms developed to predict the effect of missense changes on protein structure and function (SIFT, PolyPhen-2, Align-GVGD) all suggest that this variant is likely to be tolerated. In summary, the available evidence is currently insufficient to determine the role of this variant in disease. Therefore, it has been classified as a Variant of Uncertain Significance.

Revvity Omics, Revvity
Classification: Uncertain significance. Last evaluated: 2019-06-10. Review status: criteria provided, single submitter. Criteria: ACMG Guidelines, 2015. Collection method: clinical testing. Allele origin: germline.

Eurofins Ntd Llc (ga)
Classification: Uncertain significance. Last evaluated: 2016-04-27. Review status: criteria provided, single submitter. Criteria: EGL Classification Definitions 2015. Collection method: clinical testing. Allele origin: germline. Observed: 1 variant allele, 1 heterozygote.

Natera, Inc.
Classification: Uncertain significance for Walker-Warburg congenital muscular dystrophy. Last evaluated: 2020-02-26. Review status: no assertion criteria provided. Collection method: clinical testing. Allele origin: germline. Not counted in ClinVar's aggregate classification.

Literature cited by the submitters: PubMed 33954932 (cited by Ambry Genetics).